The following is an entry in ClinVar:

NM_001370259.2(MEN1):c.1050-138C>T

Gene: MEN1 (menin 1; minus strand). Cytogenetic location: 11q13.1.
Variant type: single nucleotide variant.
Coding change: c.1050-138C>T on transcript NM_001370259.2 (MANE Select); 138 bases into the intron before coding-DNA position 1050, C replaced by T.
Molecular consequence: intron variant. On other transcripts: synonymous variant (6).
Genome position (GRCh38, 1-based): chr11:64,805,908, G>A on the plus strand (C>T on the coding strand, the complement: MEN1 is on the minus strand). VCF-style: chr11-64805908-G-A. GRCh37 (hg19) VCF-style: chr11-64573380-G-A.
Other names: c.1155C>T, p.Asp385= (NM_001370251.2, NM_001407142.1, NM_001407143.1 and 1 more transcripts); c.1170C>T, p.Asp390= (NM_001407150.1); c.1050C>T, p.Asp350= (NM_001407151.1); c.1065-138C>T (NM_130804.3, NM_130803.3, NM_000244.4 and 4 more transcripts); c.945-138C>T (NM_001407148.1, NM_001407149.1, NM_001370263.2 and 1 more transcripts); c.1050-138C>T (NM_130799.3, NM_001370260.2, NM_001407152.1 and 3 more transcripts).
Identifiers: ClinVar variation 2641931 (VCV002641931.24), dbSNP rs2497164660, ClinGen allele CA2695198901.

ClinVar aggregate classification (germline): Likely benign (1 of 4 stars; one submission).

Submission:

CeGaT Center for Human Genetics Tuebingen
Classification: Likely benign. Last evaluated: 2023-08-01. Review status: criteria provided, single submitter. Criteria: CeGaT Center For Human Genetics Tuebingen Variant Classification Criteria Version 2. Collection method: clinical testing. Allele origin: germline. Affected: yes. Observed: 1 variant allele.
Comment: MEN1: PM2:Supporting, BP4, BP7